The following is an entry in ClinVar:

NM_000321.3(RB1):c.608-13A>T

Gene: RB1 (RB transcriptional corepressor 1; plus strand). Cytogenetic location: 13q14.2.
Variant type: single nucleotide variant.
Coding change: c.608-13A>T on transcript NM_000321.3 (MANE Select); 13 bases into the intron before coding-DNA position 608, A replaced by T.
Molecular consequence: intron variant.
Genome position (GRCh38, 1-based): chr13:48,360,004, A>T. VCF-style: chr13-48360004-A-T. GRCh37 (hg19) VCF-style: chr13-48934140-A-T.
Identifiers: ClinVar variation 1671137 (VCV001671137.9), dbSNP rs751643356, ClinGen allele CA6978888.

ClinVar aggregate classification (germline): Likely benign. Review status: criteria provided, multiple submitters, no conflicts (2 of 4 stars). 2 submissions from 2 submitters: Likely benign (2). Last evaluated 2024-03-27.

Conditions:
Retinoblastoma (RB1). Also called: RETINOBLASTOMA, SOMATIC. Identifiers: Orphanet 790, MedGen C0035335, MeSH D012175, MONDO:0008380, OMIM 180200, HP:0009919. Disease mechanism: loss of function. Inheritance: Both sporadic and heritable forms are tested..

Allele frequency attached by ClinVar (database versions not stated): gnomAD 0.00001; gnomAD exomes 0.00001; ExAC 0.00002.
gnomAD v4.1: 6 of 1,595,090 alleles (0.00038%); highest among the groups gnomAD compares: South Asian, 0.0033%; no homozygotes.

Submissions (2):

Labcorp Genetics (formerly Invitae), Labcorp
Classification: Likely benign for Retinoblastoma. Last evaluated: 2024-03-27. Review status: criteria provided, single submitter. Criteria: Invitae Variant Classification Sherloc (09022015). Collection method: clinical testing. Allele origin: germline.

All of Us Research Program, National Institutes of Health
Classification: Likely benign for Retinoblastoma. Last evaluated: 2023-12-13. Review status: criteria provided, single submitter. Criteria: ACMG Guidelines, 2015. Collection method: clinical testing. Allele origin: germline. Inheritance: Autosomal dominant inheritance. Observed: 1 variant allele, 1 heterozygote.
Comment: This study involves interpretation of variants in research participants for the purpose of population health screening. Participant phenotype was not available at the time of variant classification. Additional details can be found in publication PMID: 35346344, PMCID: PMC8962531